The following is an entry in ClinVar:

ClinVar aggregate classification (germline): Uncertain significance (1 of 4 stars; one submission).

Submission:

GeneDx
Classification: Uncertain significance. Last evaluated: 2025-04-15. Review status: criteria provided, single submitter. Criteria: GeneDx Variant Classification Process June 2021. Collection method: clinical testing. Allele origin: germline. Affected: yes.
Comment: Not observed at significant frequency in large population cohorts (gnomAD); In silico analysis supports that this missense variant has a deleterious effect on protein structure/function; Has not been previously published as pathogenic or benign to our knowledge; Located in one of the three hot-spot regions of the RYR2 gene, where the majority of pathogenic missense variants occur (PMID: 19926015); This variant is associated with the following publications: (PMID: 19926015)

NM_001035.3(RYR2):c.12468C>G (p.Ser4156Arg)

Genes: RYR2 (ryanodine receptor 2; plus strand), LOC126806068 (BRD4-independent group 4 enhancer GRCh37_chr1:237947411-237948610; plus strand). Cytogenetic location: 1q43.
Variant type: single nucleotide variant.
Coding change: c.12468C>G on transcript NM_001035.3 (MANE Select); coding-DNA position 12468, C replaced by G.
Protein change: p.Ser4156Arg; replaces serine 4156 with arginine.
Molecular consequence: missense variant.
Genome position (GRCh38, 1-based): chr1:237,784,180, C>G. VCF-style: chr1-237784180-C-G. GRCh37 (hg19) VCF-style: chr1-237947480-C-G.
Other names: short protein forms S4156R.
Identifiers: ClinVar variation 4527187 (VCV004527187.1).